The following is an entry in ClinVar:

NM_033026.6(PCLO):c.13316G>A (p.Arg4439His)

Gene: PCLO (piccolo presynaptic cytomatrix protein; minus strand). Cytogenetic location: 7q21.11.
Variant type: single nucleotide variant.
Coding change: c.13316G>A on transcript NM_033026.6 (MANE Select); coding-DNA position 13316, G replaced by A.
Protein change: p.Arg4439His; replaces arginine 4439 with histidine.
Molecular consequence: missense variant.
Genome position (GRCh38, 1-based): chr7:82,908,998, C>T on the plus strand (G>A on the coding strand, the complement: PCLO is on the minus strand). VCF-style: chr7-82908998-C-T. GRCh37 (hg19) VCF-style: chr7-82538314-C-T.
Other names: c.13316G>A, p.Arg4439His (NM_014510.3); c.13316G>A (NM_033026.5); short protein forms R4439H.
Identifiers: ClinVar variation 1465852 (VCV001465852.7), dbSNP rs371995456, ClinGen allele CA4319196.

ClinVar aggregate classification (germline): Uncertain significance. Review status: criteria provided, multiple submitters, no conflicts (2 of 4 stars). 2 submissions from 2 submitters: Uncertain significance (2). Last evaluated 2024-03-30.

Conditions:
Inborn genetic diseases. Identifiers: MedGen C0950123, MeSH D030342.

Allele frequency attached by ClinVar (database versions not stated): TOPMed below 0.00001; gnomAD 0.00001 and 0.00002; ESP Exome Variant Server 0.00008.
gnomAD v4.1: 15 of 1,612,470 alleles (0.00093%); highest among the groups gnomAD compares: South Asian, 0.0044%; no homozygotes.

Submissions (2):

Ambry Genetics
Classification: Uncertain significance for Inborn genetic diseases. Last evaluated: 2024-03-30. Review status: criteria provided, single submitter. Criteria: Ambry Variant Classification Scheme 2023. Collection method: clinical testing. Allele origin: germline.

Labcorp Genetics (formerly Invitae), Labcorp
Classification: Uncertain significance. Last evaluated: 2021-05-18. Review status: criteria provided, single submitter. Criteria: Invitae Variant Classification Sherloc (09022015). Collection method: clinical testing. Allele origin: germline.
Comment: This sequence change replaces arginine with histidine at codon 4439 of the PCLO protein (p.Arg4439His). The arginine residue is moderately conserved and there is a small physicochemical difference between arginine and histidine. In summary, the available evidence is currently insufficient to determine the role of this variant in disease. Therefore, it has been classified as a Variant of Uncertain Significance. Algorithms developed to predict the effect of missense changes on protein structure and function are either unavailable or do not agree on the potential impact of this missense change (SIFT: "Deleterious"; PolyPhen-2: "Not Available"; Align-GVGD: "Class C0"). This variant has not been reported in the literature in individuals with PCLO-related conditions. This variant is present in population databases (rs371995456, ExAC 0.01%).